The following is an entry in ClinVar:

ClinVar aggregate classification (germline): Uncertain significance (1 of 4 stars; one submission).

Submission:

Labcorp Genetics (formerly Invitae), Labcorp
Classification: Uncertain significance. Last evaluated: 2025-01-17. Review status: criteria provided, single submitter. Criteria: Invitae Variant Classification Sherloc (09022015). Collection method: clinical testing. Allele origin: germline.
Comment: This sequence change falls in intron 27 of the ARHGEF10 gene. It does not directly change the encoded amino acid sequence of the ARHGEF10 protein. Information on the frequency of this variant in the gnomAD database is not available, as this variant may be reported differently in the database. This variant has not been reported in the literature in individuals affected with ARHGEF10-related conditions. In summary, the available evidence is currently insufficient to determine the role of this variant in disease. Therefore, it has been classified as a Variant of Uncertain Significance.

NM_014629.4(ARHGEF10):c.3398-17_3398-16delinsAG

Gene: ARHGEF10 (Rho guanine nucleotide exchange factor 10; plus strand). Cytogenetic location: 8p23.3.
Variant type: Indel.
Coding change: c.3398-17_3398-16delinsAG on transcript NM_014629.4 (MANE Select); 17 bases into the intron before coding-DNA position 3398 through 16 bases into the intron before coding-DNA position 3398, CA replaced by AG.
Molecular consequence: intron variant.
Genome position (GRCh38, 1-based): chr8:1,952,688-1,952,689, CA replaced by AG. VCF-style: chr8-1952688-CA-AG. GRCh37 (hg19) VCF-style: chr8-1900854-CA-AG.
Other names: c.3281-17_3281-16delinsAG (NM_001438092.1, NM_001438093.1); c.3401-17_3401-16delinsAG (NM_001438091.1); c.3284-17_3284-16delinsAG (NM_001308152.2); c.3284-4061_3284-4060delinsAG (NM_001438094.1); c.3398-17_3398-16delinsAG (NM_001308153.3).
Identifiers: ClinVar variation 3632745 (VCV003632745.2).